The following is an entry in ClinVar:

NM_002834.5(PTPN11):c.1472C>A (p.Pro491His)

Gene: PTPN11 (protein tyrosine phosphatase non-receptor type 11; plus strand). Cytogenetic location: 12q24.13.
Variant type: single nucleotide variant.
Coding change: c.1472C>A on transcript NM_002834.5 (MANE Select); coding-DNA position 1472, C replaced by A.
Protein change: p.Pro491His; replaces proline 491 with histidine.
Molecular consequence: missense variant.
Genome position (GRCh38, 1-based): chr12:112,489,048, C>A. VCF-style: chr12-112489048-C-A. GRCh37 (hg19) VCF-style: chr12-112926852-C-A.
Other names: p.P491H:CCC>CAC; c.1484C>A, p.Pro495His (NM_001330437.2); c.1469C>A, p.Pro490His (NM_001374625.1); short protein forms P491H, P495H, P490H.
Identifiers: ClinVar variation 40551 (VCV000040551.27), dbSNP rs397507540, ClinGen allele CA261546.
Genomic context (GRCh38, chr12:112,489,048, plus strand): 5'-AGTTTCTCTTTATTCTTCATGATGTTTCCTTCGTAGGTGTTGACTGCGATATTGACGTTC[C>A]CAAAACCATCCAGATGGTGCGGTCTCAGAGGTCAGGGATGGTCCAGACAGAAGCACAGTA-3'
Protein context (NP_002825.3, residues 481-501): EKGVDCDIDV[Pro491His]KTIQMVRSQR

ClinVar aggregate classification (germline): Pathogenic/Likely pathogenic. Review status: criteria provided, multiple submitters, no conflicts (2 of 4 stars). 11 submissions from 11 submitters: Pathogenic (9); Likely pathogenic (2). Last evaluated 2026-08-06.

Conditions:
Cardiovascular phenotype. Identifiers: MedGen CN230736.
Monogenic short statue.
PTPN11-related disorder. Also called: PTPN11-Related Disorders.
Noonan syndrome 1 (NS1). Also called: FEMALE PSEUDO-TURNER SYNDROME; TURNER PHENOTYPE WITH NORMAL KARYOTYPE; PTPN11-Related Noonan Syndrome. Identifiers: Orphanet 648, MedGen C4551602, MONDO:0008104, OMIM 163950. Disease mechanism: gain of function.
LEOPARD syndrome 1 (LPRD1). Also called: LENTIGINOSIS, CARDIOMYOPATHIC; MULTIPLE LENTIGINES SYNDROME; PTPN11-Related LEOPARD Syndrome. Identifiers: Orphanet 500, MedGen C4551484, MONDO:0100082, OMIM 151100.
Juvenile myelomonocytic leukemia (JMML). Also called: LEUKEMIA, JUVENILE MYELOMONOCYTIC, SOMATIC. Identifiers: Orphanet 86834, MedGen C0349639, MONDO:0011908, OMIM 607785, HP:0012209.
Metachondromatosis (METCDS). Identifiers: Orphanet 2499, MedGen C0410530, MONDO:0007979, OMIM 156250.
RASopathy. Also called: rasopathies; Noonan spectrum disorder. Identifiers: Orphanet 536391, MedGen C5555857, MONDO:0021060.
Noonan syndrome (NS). Also called: Noonan's syndrome. Identifiers: Orphanet 648, MedGen C0028326, MeSH D009634, MONDO:0018997. Disease mechanism: gain of function.
Strabismus. Identifiers: MedGen C0038379, MONDO:0003432, HP:0000486.
Abnormal facial shape. Also called: Dysmorphic facies; Dysmorphic facial features. Identifiers: MedGen C0424503, HP:0001999.
Short stature. Identifiers: MedGen C0349588, HP:0004322.

Submissions (11):

NHS Central & South Genomic Laboratory Hub
Classification: Pathogenic for Monogenic short statue. Last evaluated: 2026-08-06. Review status: criteria provided, single submitter. Criteria: ACMG Guidelines, 2015. Collection method: clinical testing. Allele origin: germline. Affected: yes.

GeneDx
Classification: Pathogenic. Last evaluated: 2025-11-29. Review status: criteria provided, single submitter. Criteria: GeneDx Variant Classification Process June 2021. Collection method: clinical testing. Allele origin: germline. Affected: yes.
Comment: In silico analysis suggests that this missense variant does not alter protein structure/function; Not observed at significant frequency in large population cohorts (gnomAD); Missense variants in this gene are a common cause of disease and they are underrepresented in the general population; This variant is associated with the following publications: (PMID: 17020470, 24803665, 17546245, 30417923, 31560489, 35904599, 37923938, 38958480, 37493574)

3billion
Classification: Pathogenic for Noonan syndrome 1. Last evaluated: 2025-09-16. Review status: criteria provided, single submitter. Criteria: ACMG Guidelines, 2015. Collection method: clinical testing. Allele origin: germline. Affected: yes.
Comment: The variant is not observed in the gnomAD v4.1.0 dataset. Predicted Consequence/Location: Missense variant. Missense changes are a common disease-causing mechanism. In silico tool predictions suggest damaging effect of the variant on gene or gene product [REVEL: 0.76 (>=0.6, sensitivity 0.68 and specificity 0.92); 3Cnet: 0.93 (> 0.75, sensitivity 0.96 and precision 0.92)]. The same nucleotide change resulting in the same amino acid change has been previously reported as pathogenic/likely pathogenic with strong evidence (ClinVar ID: VCV000040551 /PMID: 17020470). The variant has been observed in at least two similarly affected unrelated individuals (PMID: 17020470, 31560489). Different missense changes at the same codon (p.Pro491Ala, p.Pro491Leu, p.Pro491Phe, p.Pro491Ser, p.Pro491Thr) have been reported as pathogenic/likely pathogenic with strong evidence (ClinVar ID: VCV000040549, VCV000040550, VCV000040552, VCV000181503 /PMID: 15001945, 15985475, 19621452, 22465605, 28650561 /3billion dataset). Therefore, this variant is classified as Pathogenic according to the recommendation of ACMG/AMP guideline.

Labcorp Genetics (formerly Invitae), Labcorp
Classification: Pathogenic for RASopathy. Last evaluated: 2025-06-19. Review status: criteria provided, single submitter. Criteria: Invitae Variant Classification Sherloc (09022015). Collection method: clinical testing. Allele origin: germline.
Comment: This sequence change replaces proline, which is neutral and non-polar, with histidine, which is basic and polar, at codon 491 of the PTPN11 protein (p.Pro491His). This variant is not present in population databases (gnomAD no frequency). This missense change has been observed in individuals with clinical features of PTPN11-related conditions and/or Noonan syndrome (PMID: 17020470, 17546245, 21590266, 31560489, 37923938). ClinVar contains an entry for this variant (Variation ID: 40551). Invitae Evidence Modeling of protein sequence and biophysical properties (such as structural, functional, and spatial information, amino acid conservation, physicochemical variation, residue mobility, and thermodynamic stability) has been performed for this missense variant. However, the output from this modeling did not meet the statistical confidence thresholds required to predict the impact of this variant on PTPN11 protein function. This variant disrupts the p.Pro491 amino acid residue in PTPN11. Other variant(s) that disrupt this residue have been determined to be pathogenic (PMID: 15985475, 18470943, 20186801, 22781091, 23624134). This suggests that this residue is clinically significant, and that variants that disrupt this residue are likely to be disease-causing. For these reasons, this variant has been classified as Pathogenic.

ARUP Laboratories, Molecular Genetics and Genomics, ARUP Laboratories
Classification: Pathogenic. Last evaluated: 2024-06-10. Review status: criteria provided, single submitter. Criteria: ARUP Molecular Germline Variant Investigation Process 2024. Collection method: clinical testing. Allele origin: germline.
Comment: The PTPN11 c.1472C>A; p.Pro491His variant (rs397507540, ClinVar Variation ID: 40551) is reported in the literature in numerous individuals affected with Noonan syndrome (selected references: Aoki 2008, Bessis 2019, Chinton 2019, Papadopoulos 2022). This variant is absent from the Genome Aggregation Database (v2.1.1), indicating it is not a common polymorphism. Additionally, other amino acid substitutions at this codon (Ser, Leu, Thr, Phe) have been reported in individuals with Noonan syndrome and are considered pathogenic (Aoki 2008, Ezquieta 2012, Jongmans 2011, Pierpont 2010, Tartaglia 2006).) Computational analyses predict that this variant is deleterious (REVEL: 0.756). Based on available information, this variant is considered to be pathogenic. References: Aoki Y et al. The RAS/MAPK syndromes: novel roles of the RAS pathway in human genetic disorders. Hum Mutat. 2008 Aug;29(8):992-1006. PMID: 18470943. Bessis D et al. Dermatological manifestations in Noonan syndrome: a prospective multicentric study of 129 patients positive for mutation. Br J Dermatol. 2019 Jun;180(6):1438-1448. PMID: 30417923. Chinton J et al. Clinical and molecular characterization of children with Noonan syndrome and other RASopathies in Argentina. Arch Argent Pediatr. 2019 Oct 1;117(5):330-337. English, Spanish. PMID: 31560489. Ezquieta B et al. Alterations in RAS-MAPK genes in 200 Spanish patients with Noonan and other neuro-cardio-facio-cutaneous syndromes. Genotype and cardiopathy. Rev Esp Cardiol (Engl Ed). 2012 May;65(5):447-55. PMID: 22465605. Jongmans MC et al. Cancer risk in patients with Noonan syndrome carrying a PTPN11 mutation. Eur J Hum Genet. 2011 Aug;19(8):870-4. PMID: 21407260. Papadopoulos G et al. Molecular and clinical profile of patients referred as Noonan or Noonan-like syndrome in Greece: a cohort of 86 patients. Eur J Pediatr. 2022 Oct;181(10):3691-3700. PMID: 35904599. Pierpont EI et al. Effects of germline mutations in the Ras/MAPK signaling pathway on adaptive behavior: cardiofaciocutaneous syndrome and Noonan syndrome. Am J Med Genet A. 2010 Mar;152A(3):591-600. PMID: 20186801. Tartaglia M et al. Diversity and functional consequences of germline and somatic PTPN11 mutations in human disease. Am J Hum Genet. 2006 Feb;78(2):279-90. PMID: 16358218.

Blueprint Genetics
Classification: Pathogenic for PTPN11-related disorders. Last evaluated: 2023-03-02. Review status: criteria provided, single submitter. Criteria: ACMG Guidelines, 2015. Collection method: clinical testing. Allele origin: germline. Affected: yes. Observed: 2 variant alleles.

Fulgent Genetics
Classification: Likely pathogenic for LEOPARD syndrome 1; Metachondromatosis; Noonan syndrome 1; Juvenile myelomonocytic leukemia. Last evaluated: 2021-11-09. Review status: criteria provided, single submitter. Criteria: ACMG Guidelines, 2015. Collection method: clinical testing. Allele origin: unknown.

Dasa
Classification: Pathogenic for Short stature; Abnormal facial shape; Strabismus. Last evaluated: 2021-09-02. Review status: criteria provided, single submitter. Criteria: ACMG Guidelines, 2015. Collection method: clinical testing. Allele origin: germline. Affected: yes. Observed: 1 variant allele.
Comment: The c.1472C>A;p.(Pro491His) variant has been published as a pathogenic variant in association with Noonan syndrome (PMID: 17546245, 21590266, 17020470; GeneOne, DASA) - PS4; ClinVar contains an entry for this variant (Variation ID: 40551); This variant is not present in population databases (rs397507540 - gnomAD no frequency; ABraOM no frequency - abraom.ib.usp.br) - PM2; Missense variant in PTPN11 that has a low rate of benign missense variation and in which missense variants are a common mechanism of disease (PMID: 29493581) - PP2; In silico analysis predicts this variant is probably damaging to the protein structure/function - PP3; Pathogenic missense variants in this residue (PMID: 20186801, 18470943, 23624134). In summary, the currently available evidence indicates that the variant is pathogenic.

Institute of Medical Genetics and Applied Genomics, University Hospital Tübingen
Classification: Likely pathogenic. Last evaluated: 2020-10-23. Review status: criteria provided, single submitter. Criteria: ACMG Guidelines, 2015. Collection method: clinical testing. Allele origin: germline. Inheritance: Unknown mechanism. Affected: yes.

Ambry Genetics
Classification: Pathogenic for Cardiovascular phenotype. Last evaluated: 2018-05-09. Review status: criteria provided, single submitter. Criteria: Ambry Variant Classification Scheme 2023. Collection method: clinical testing. Allele origin: germline.
Comment: The p.P491H pathogenic mutation (also known as c.1472C>A), located in coding exon 13 of the PTPN11 gene, results from a C to A substitution at nucleotide position 1472. The proline at codon 491 is replaced by histidine, an amino acid with similar properties. This mutation was first described in an individual meeting clinical diagnostic criteria for Noonan syndrome (Bertola DR et al. Genet. Test., 2006;10:186-91). In addition, three disease-causing mutations: p.P491L, p.P491S, and p.P491T, have been described in the same codon (Binder G et al. J. Clin. Endocrinol. Metab., 2005 Sep;90:5377-81; Pierpont EI et al. Genes Brain Behav., 2009 Apr;8:275-82; Ezquieta B et al. Rev Esp Cardiol (Engl Ed), 2012 May;65:447-55). Based on the supporting evidence, this alteration is interpreted as a disease-causing mutation.

Laboratory for Molecular Medicine, Mass General Brigham Personalized Medicine
Classification: Pathogenic for Noonan syndrome. Last evaluated: 2015-09-29. Review status: criteria provided, single submitter. Criteria: LMM Criteria. Collection method: clinical testing. Allele origin: germline. Inheritance: Autosomal dominant inheritance. Observed: 2 variant alleles.
Comment: proposed classification - variant undergoing re-assessment, contact laboratory

Literature cited by the submitters: PubMed 31560489 (cited by 3billion and Labcorp Genetics (formerly Invitae), Labcorp); PubMed 17020470 (cited by 5 submitters); PubMed 15001945 (cited by 3billion); PubMed 17546245 (cited by 3 submitters); PubMed 21590266 (cited by Labcorp Genetics (formerly Invitae), Labcorp and Dasa); PubMed 37923938 (cited by Labcorp Genetics (formerly Invitae), Labcorp); PubMed 15985475 (cited by Labcorp Genetics (formerly Invitae), Labcorp and Ambry Genetics); PubMed 18470943 (cited by Labcorp Genetics (formerly Invitae), Labcorp); PubMed 20186801 (cited by Labcorp Genetics (formerly Invitae), Labcorp and Dasa); PubMed 22781091 (cited by Labcorp Genetics (formerly Invitae), Labcorp); PubMed 23624134 (cited by Labcorp Genetics (formerly Invitae), Labcorp); PubMed 29493581 (cited by Dasa); PubMed 19077116 (cited by Ambry Genetics); PubMed 22465605 (cited by Ambry Genetics).